The following is an entry in ClinVar:

NM_020987.5(ANK3):c.3470C>T (p.Thr1157Ile)

Gene: ANK3 (ankyrin 3; minus strand). Cytogenetic location: 10q21.2.
Variant type: single nucleotide variant.
Coding change: c.3470C>T on transcript NM_020987.5 (MANE Select); coding-DNA position 3470, C replaced by T.
Protein change: p.Thr1157Ile; replaces threonine 1157 with isoleucine.
Molecular consequence: missense variant.
Genome position (GRCh38, 1-based): chr10:60,088,217, G>A on the plus strand (C>T on the coding strand, the complement: ANK3 is on the minus strand). VCF-style: chr10-60088217-G-A. GRCh37 (hg19) VCF-style: chr10-61847975-G-A.
Other names: c.872C>T, p.Thr291Ile (NM_001149.4); c.3452C>T, p.Thr1151Ile (NM_001204403.2); c.3473C>T, p.Thr1158Ile (NM_001204404.2); c.3470C>T, p.Thr1157Ile (NM_001320874.2); short protein forms T1151I, T1157I, T291I, T1158I.
Identifiers: ClinVar variation 3541227 (VCV003541227.2).

ClinVar aggregate classification (germline): Uncertain significance. Review status: criteria provided, multiple submitters, no conflicts (2 of 4 stars). 2 submissions from 2 submitters: Uncertain significance (2). Last evaluated 2025-11-07.

Conditions:
Inborn genetic diseases. Identifiers: MedGen C0950123, MeSH D030342.

gnomAD v4.1: 10 of 1,614,184 alleles (0.00062%); highest among the groups gnomAD compares: Admixed American, 0.0033%; no homozygotes.

Submissions (2):

Women's Health and Genetics/Laboratory Corporation of America, LabCorp
Classification: Uncertain significance. Last evaluated: 2025-11-07. Review status: criteria provided, single submitter. Criteria: LabCorp Variant Classification Summary - May 2015. Collection method: clinical testing. Allele origin: germline.
Comment: Variant summary: ANK3 c.3470C>T (p.Thr1157Ile) results in a non-conservative amino acid change in the encoded protein sequence. Algorithms developed to predict the effect of missense changes on protein structure and function all suggest that this variant is likely to be disruptive. The variant allele was found at a frequency of 1.2e-05 in 251212 control chromosomes. The available data on variant occurrences in the general population are insufficient to allow any conclusion about variant significance. To our knowledge, no occurrence of c.3470C>T in individuals affected with ANK3-related conditions and no experimental evidence demonstrating its impact on protein function have been reported. ClinVar contains an entry for this variant (Variation ID: 3541227). Based on the evidence outlined above, the variant was classified as uncertain significance.

Ambry Genetics
Classification: Uncertain significance for Inborn genetic diseases. Last evaluated: 2024-11-09. Review status: criteria provided, single submitter. Criteria: Ambry Variant Classification Scheme 2023. Collection method: clinical testing. Allele origin: germline.